The following is an entry in ClinVar:

NM_000108.5(DLD):c.105del (p.Thr34_Tyr35insTer)

Gene: DLD (dihydrolipoamide dehydrogenase; plus strand). Cytogenetic location: 7q31.1.
Variant type: Deletion.
Coding change: c.105del on transcript NM_000108.5 (MANE Select); coding-DNA position 105, one base deleted (C; older notation c.105delC).
Protein change: p.Thr34_Tyr35insTer.
Molecular consequence: nonsense. On other transcripts: 5 prime UTR variant (1).
Genome position (GRCh38, 1-based): chr7:107,893,265, C deleted. VCF-style (leftmost placement, unchanged base first): chr7-107893264-AC-A. GRCh37 (hg19) VCF-style: chr7-107533709-AC-A.
Other names: c.105del, p.Thr34_Tyr35insTer (NM_001289752.1, NM_001289751.1); c.-44del (NM_001289750.1).
Identifiers: ClinVar variation 553084 (VCV000553084.7), dbSNP rs1554396895, ClinGen allele CA658822724.

ClinVar aggregate classification (germline): Pathogenic/Likely pathogenic. Review status: criteria provided, multiple submitters, no conflicts (2 of 4 stars). 3 submissions from 3 submitters: Pathogenic (1); Likely pathogenic (1). 1 of the submissions does not count toward it. Last evaluated 2023-12-06.

Conditions:
Pyruvate dehydrogenase E3 deficiency (DLDD). Also called: Dihydrolipoamide Dehydrogenase Deficiency; Dihydrolipoamide Dehydrogenase (E3) Deficiency; MAPLE SYRUP URINE DISEASE, TYPE III; Lipoamide dehydrogenase deficiency, lactic acidosis due to; Lipoamide dehydrogenase deficiency; Dihydrolipoamide Dehydrogenase E3 Deficiency. Identifiers: Orphanet 2394, Orphanet 765, MedGen C5574660, MONDO:0009529, OMIM 246900.

Submissions (3):

Labcorp Genetics (formerly Invitae), Labcorp
Classification: Pathogenic for Pyruvate dehydrogenase E3 deficiency. Last evaluated: 2023-12-06. Review status: criteria provided, single submitter. Criteria: Invitae Variant Classification Sherloc (09022015). Collection method: clinical testing. Allele origin: germline.
Comment: This sequence change creates a premature translational stop signal (p.Tyr35*) in the DLD gene. It is expected to result in an absent or disrupted protein product. Loss-of-function variants in DLD are known to be pathogenic (PMID: 8968745, 9934985). This variant is not present in population databases (gnomAD no frequency). This premature translational stop signal has been observed in individual(s) with dihydrolipoamide dehydrogenase deficiency (PMID: 8968745, 9298831, 9934985). ClinVar contains an entry for this variant (Variation ID: 553084). For these reasons, this variant has been classified as Pathogenic.

Baylor Genetics
Classification: Likely pathogenic for Pyruvate dehydrogenase E3 deficiency. Last evaluated: 2023-09-18. Review status: criteria provided, single submitter. Criteria: ACMG Guidelines, 2015. Collection method: clinical testing. Allele origin: unknown.

Counsyl
Classification: Pathogenic for Pyruvate dehydrogenase E3 deficiency. Last evaluated: 2017-08-02. Review status: no assertion criteria provided. Collection method: clinical testing. Allele origin: unknown. Not counted in ClinVar's aggregate classification.

Literature cited by the submitters: PubMed 8968745 (cited by Labcorp Genetics (formerly Invitae), Labcorp); PubMed 9934985 (cited by Labcorp Genetics (formerly Invitae), Labcorp and Counsyl); PubMed 9298831 (cited by Labcorp Genetics (formerly Invitae), Labcorp).